The following is an entry in ClinVar:

ClinVar aggregate classification (germline): Pathogenic (1 of 4 stars; one submission).

Conditions:
Alagille syndrome due to a JAG1 point mutation. Also called: HEPATIC DUCTULAR HYPOPLASIA, SYNDROMATIC; JAG1-Related Alagille Syndrome; Alagille Syndrome 1. Identifiers: Orphanet 261619, Orphanet 52, MedGen C1956125, MONDO:0016862, OMIM 118450.

Submission:

Labcorp Genetics (formerly Invitae), Labcorp
Classification: Pathogenic for Alagille syndrome due to a JAG1 point mutation. Last evaluated: 2021-02-27. Review status: criteria provided, single submitter. Criteria: Invitae Variant Classification Sherloc (09022015). Collection method: clinical testing. Allele origin: germline.
Comment: This sequence change creates a premature translational stop signal (p.Tyr593*) in the JAG1 gene. It is expected to result in an absent or disrupted protein product. Loss-of-function variants in JAG1 are known to be pathogenic (PMID: 11180599). This variant is not present in population databases (ExAC no frequency). This variant has not been reported in the literature in individuals with JAG1-related conditions. Algorithms developed to predict the effect of sequence changes on RNA splicing suggest that this variant may create or strengthen a splice site, but this prediction has not been confirmed by published transcriptional studies. For these reasons, this variant has been classified as Pathogenic.

Literature cited by the submitters: PubMed 11180599.

NM_000214.3(JAG1):c.1779T>A (p.Tyr593Ter)

Gene: JAG1 (jagged canonical Notch ligand 1; minus strand). Cytogenetic location: 20p12.2.
Variant type: single nucleotide variant.
Coding change: c.1779T>A on transcript NM_000214.3 (MANE Select); coding-DNA position 1779, T replaced by A.
Protein change: p.Tyr593Ter; replaces tyrosine 593 with a stop codon.
Molecular consequence: nonsense.
Genome position (GRCh38, 1-based): chr20:10,647,045, A>T on the plus strand (T>A on the coding strand, the complement: JAG1 is on the minus strand). VCF-style: chr20-10647045-A-T. GRCh37 (hg19) VCF-style: chr20-10627693-A-T.
Other names: short protein forms Y593*.
Identifiers: ClinVar variation 1070837 (VCV001070837.7), dbSNP rs2122606277, ClinGen allele CA408236166.